The following is an entry in ClinVar:

NM_003922.4(HERC1):c.2000T>C (p.Ile667Thr)

Gene: HERC1 (HECT and RLD domain containing E3 ubiquitin protein ligase family member 1; minus strand). Cytogenetic location: 15q22.31.
Variant type: single nucleotide variant.
Coding change: c.2000T>C on transcript NM_003922.4 (MANE Select); coding-DNA position 2000, T replaced by C.
Protein change: p.Ile667Thr; replaces isoleucine 667 with threonine.
Molecular consequence: missense variant.
Genome position (GRCh38, 1-based): chr15:63,749,694, A>G on the plus strand (T>C on the coding strand, the complement: HERC1 is on the minus strand). VCF-style: chr15-63749694-A-G. GRCh37 (hg19) VCF-style: chr15-64041893-A-G.
Other names: NM_003922.4:c.2000T>C; short protein forms I667T.
Identifiers: ClinVar variation 4974503 (VCV004974503.1).

ClinVar aggregate classification (germline): Uncertain significance (1 of 4 stars; one submission).

Conditions:
Macrocephaly, dysmorphic facies, and psychomotor retardation (MDFPMR). Identifiers: Orphanet 457359, MedGen C4310766, MONDO:0014863, OMIM 617011.

gnomAD v4.1: 1 of 1,593,882 alleles (0.000063%); highest among the groups gnomAD compares: Non-Finnish European, 0.000086%; no homozygotes.

Submission:

Broad Center for Mendelian Genomics, Broad Institute of MIT and Harvard
Classification: Uncertain significance for Macrocephaly, dysmorphic facies, and psychomotor retardation. Last evaluated: 2026-08-12. Review status: criteria provided, single submitter. Criteria: ACMG Guidelines, 2015. Collection method: research. Allele origin: germline. Inheritance: Autosomal recessive inheritance. Study: GREGoR Consortium.
Comment: Trio genome analysis revealed that this variant was in trans with the VUS. The p.Ile667Thr variant in HERC1 has not been previously reported in the literature in individuals with these symptoms, but has been identified in 0.000085% (1/1169272) of European (non-Finnish) chromosomes by the Genome Aggregation Database (gnomAD). Although this variant has been seen in the general population in a heterozygous state, its frequency is low enough to be consistent with a recessive carrier frequency. Computational prediction tools and conservation analyses suggest that this variant may impact the protein, though this information is not predictive enough to determine pathogenicity. The number of missense variants reported in HERC1 in the general population is lower than expected, suggesting there is little benign variation in this gene and slightly increasing the possibility that a missense variant in this gene may not be tolerated. In summary, the clinical significance of the p.Ile667Thr variant is uncertain. ACMG/AMP Criteria applied: PP3_moderate, PP2, PM2_supporting (Richards 2015).